The following is an entry in ClinVar:

NM_001142800.2(EYS):c.748G>T (p.Gly250Ter)

Gene: EYS (EGF-like photoreceptor maintenance factor; minus strand). Cytogenetic location: 6q12.
Variant type: single nucleotide variant.
Coding change: c.748G>T on transcript NM_001142800.2 (MANE Select); coding-DNA position 748, G replaced by T.
Protein change: p.Gly250Ter; replaces glycine 250 with a stop codon.
Molecular consequence: nonsense.
Genome position (GRCh38, 1-based): chr6:65,494,663, C>A on the plus strand (G>T on the coding strand, the complement: EYS is on the minus strand). VCF-style: chr6-65494663-C-A. GRCh37 (hg19) VCF-style: chr6-66204556-C-A.
Other names: c.748G>T, p.Gly250Ter (NM_001142801.2, NM_001292009.2, NM_198283.2); short protein forms G250*.
Identifiers: ClinVar variation 2101303 (VCV002101303.4), dbSNP rs2533027083, ClinGen allele CA364789222.

ClinVar aggregate classification (germline): Pathogenic (1 of 4 stars; one submission).

gnomAD v4.1: 1 of 1,554,756 alleles (0.000064%); highest among the groups gnomAD compares: East Asian, 0.0024%; no homozygotes.

Submission:

Labcorp Genetics (formerly Invitae), Labcorp
Classification: Pathogenic. Last evaluated: 2022-11-22. Review status: criteria provided, single submitter. Criteria: Invitae Variant Classification Sherloc (09022015). Collection method: clinical testing. Allele origin: germline.
Comment: For these reasons, this variant has been classified as Pathogenic. Algorithms developed to predict the effect of sequence changes on RNA splicing suggest that this variant may disrupt the consensus splice site. This variant has not been reported in the literature in individuals affected with EYS-related conditions. This variant is not present in population databases (gnomAD no frequency). This sequence change creates a premature translational stop signal (p.Gly250*) in the EYS gene. It is expected to result in an absent or disrupted protein product. Loss-of-function variants in EYS are known to be pathogenic (PMID: 18836446, 20333770).

Literature cited by the submitters: PubMed 18836446; PubMed 20333770.